The following is an entry in ClinVar:

ClinVar aggregate classification (germline): Uncertain significance (1 of 4 stars; one submission).

Conditions:
Familial hemophagocytic lymphohistiocytosis 5. Also called: STXBP2-Related Familial Hemophagocytic Lymphohistiocytosis (STXBP2-fHLH). Identifiers: Orphanet 540, MedGen C2751293, MONDO:0013135, OMIM 613101.

Submission:

Labcorp Genetics (formerly Invitae), Labcorp
Classification: Uncertain significance for Familial hemophagocytic lymphohistiocytosis 5. Last evaluated: 2023-08-10. Review status: criteria provided, single submitter. Criteria: Invitae Variant Classification Sherloc (09022015). Collection method: clinical testing. Allele origin: germline.
Comment: In summary, the available evidence is currently insufficient to determine the role of this variant in disease. Therefore, it has been classified as a Variant of Uncertain Significance. Advanced modeling of protein sequence and biophysical properties (such as structural, functional, and spatial information, amino acid conservation, physicochemical variation, residue mobility, and thermodynamic stability) performed at Invitae indicates that this missense variant is not expected to disrupt STXBP2 protein function. This variant has not been reported in the literature in individuals affected with STXBP2-related conditions. This variant is not present in population databases (gnomAD no frequency). This sequence change replaces threonine, which is neutral and polar, with serine, which is neutral and polar, at codon 345 of the STXBP2 protein (p.Thr345Ser).

NM_006949.4(STXBP2):c.1033A>T (p.Thr345Ser)

Gene: STXBP2 (syntaxin binding protein 2; plus strand). Cytogenetic location: 19p13.2.
Variant type: single nucleotide variant.
Coding change: c.1033A>T on transcript NM_006949.4 (MANE Select); coding-DNA position 1033, A replaced by T.
Protein change: p.Thr345Ser; replaces threonine 345 with serine.
Molecular consequence: missense variant.
Genome position (GRCh38, 1-based): chr19:7,643,171, A>T. VCF-style: chr19-7643171-A-T. GRCh37 (hg19) VCF-style: chr19-7708057-A-T.
Other names: c.1024A>T, p.Thr342Ser (NM_001127396.3); c.1066A>T, p.Thr356Ser (NM_001272034.2); c.937A>T, p.Thr313Ser (NM_001414484.1); short protein forms T356S, T342S, T313S, T345S.
Identifiers: ClinVar variation 2831710 (VCV002831710.3), dbSNP rs768201440, ClinGen allele CA403160802.